The following is an entry in ClinVar:

NM_001044385.3(TMEM237):c.850A>G (p.Thr284Ala)

Gene: TMEM237 (transmembrane protein 237; minus strand). Cytogenetic location: 2q33.1.
Variant type: single nucleotide variant.
Coding change: c.850A>G on transcript NM_001044385.3 (MANE Select); coding-DNA position 850, A replaced by G.
Protein change: p.Thr284Ala; replaces threonine 284 with alanine.
Molecular consequence: missense variant.
Genome position (GRCh38, 1-based): chr2:201,629,249, T>C on the plus strand (A>G on the coding strand, the complement: TMEM237 is on the minus strand). VCF-style: chr2-201629249-T-C. GRCh37 (hg19) VCF-style: chr2-202493972-T-C.
Other names: c.826A>G, p.Thr276Ala (NM_152388.4); short protein forms T276A, T284A.
Identifiers: ClinVar variation 2132621 (VCV002132621.4), dbSNP rs759490227, ClinGen allele CA350308465.

ClinVar aggregate classification (germline): Uncertain significance (1 of 4 stars; one submission).

Conditions:
Joubert syndrome 14 (JBTS14). Identifiers: MedGen C3280766, MONDO:0013745, OMIM 614424.

Allele frequency attached by ClinVar (database versions not stated): gnomAD exomes below 0.00001.
gnomAD v4.1: 1 of 1,572,174 alleles (0.000064%); highest among the groups gnomAD compares: Non-Finnish European, 0.000086%; no homozygotes.

Submission:

Labcorp Genetics (formerly Invitae), Labcorp
Classification: Uncertain significance for Joubert syndrome 14. Last evaluated: 2022-08-20. Review status: criteria provided, single submitter. Criteria: Invitae Variant Classification Sherloc (09022015). Collection method: clinical testing. Allele origin: germline.
Comment: This variant is not present in population databases (gnomAD no frequency). This sequence change replaces threonine, which is neutral and polar, with alanine, which is neutral and non-polar, at codon 284 of the TMEM237 protein (p.Thr284Ala). In summary, the available evidence is currently insufficient to determine the role of this variant in disease. Therefore, it has been classified as a Variant of Uncertain Significance. Algorithms developed to predict the effect of missense changes on protein structure and function are either unavailable or do not agree on the potential impact of this missense change (SIFT: "Deleterious"; PolyPhen-2: "Possibly Damaging"; Align-GVGD: "Class C0"). This variant has not been reported in the literature in individuals affected with TMEM237-related conditions.